The following is an entry in ClinVar:

NC_000018.9:g.(?_10671523)_(10741080_?)dup

Gene: PIEZO2 (piezo type mechanosensitive ion channel component 2; minus strand). Cytogenetic location: 18p11.22.
Variant type: Duplication.
Identifiers: ClinVar variation 2426710 (VCV002426710.4).

ClinVar aggregate classification (germline): Uncertain significance (1 of 4 stars; one submission).

Submission:

Labcorp Genetics (formerly Invitae), Labcorp
Classification: Uncertain significance. Last evaluated: 2022-02-05. Review status: criteria provided, single submitter. Criteria: Invitae Variant Classification Sherloc (09022015). Collection method: clinical testing. Allele origin: germline.
Comment: In summary, the available evidence is currently insufficient to determine the role of this variant in disease. Therefore, it has been classified as a Variant of Uncertain Significance. Experimental studies and prediction algorithms are not available or were not evaluated, and the functional significance of this variant is currently unknown. This variant has not been reported in the literature in individuals affected with PIEZO2-related conditions. This sequence change is a complex rearrangement involving part of exon 31 and all of exons 32-52 of the PIEZO2 gene. This region includes the termination codon of the gene. This complex rearrangement extends beyond the assayed region for this gene and therefore may encompass additional genes. Although the exact nature of the event is unknown, it likely involves duplication and/or inversion of these exons. As the precise location of this event is unknown, it may be in tandem or it may be located elsewhere in the genome.